The following is an entry in ClinVar:

NM_001365276.2(TNXB):c.11386+6G>C

Genes: TNXB (tenascin XB; minus strand), LOC106780803 (tenascin XB recombination region; plus strand). Cytogenetic location: 6p21.33.
Variant type: single nucleotide variant.
Coding change: c.11386+6G>C on transcript NM_001365276.2 (MANE Select); 6 bases into the intron after coding-DNA position 11386, G replaced by C.
Molecular consequence: intron variant.
Genome position (GRCh38, 1-based): chr6:32,044,001, C>G on the plus strand (G>C on the coding strand, the complement: TNXB is on the minus strand). VCF-style: chr6-32044001-C-G. GRCh37 (hg19) VCF-style: chr6-32011778-C-G.
Other names: p.?; c.11380+6G>C (NM_019105.8); c.12127+6G>C (NM_001428335.1); c.673+6G>C (NM_032470.4).
Identifiers: ClinVar variation 4684941 (VCV004684941.1).
Genomic context (GRCh38, chr6:32,044,001, plus strand): 5'-GGAGGGTGGGCAGAGTGCAGGGGGGAGAGGAAATGCGAGGCGATGAGCACATGGCAAAGG[C>G]ACCACCTCCGTCCGCCAGCTGGTAGGAGACTTTGAAGCTGTCCGCCCGGGATGGTGGGGG-3'

ClinVar aggregate classification (germline): Likely benign (1 of 4 stars; one submission).

Submission:

Mayo Clinic Laboratories, Mayo Clinic
Classification: Likely benign. Last evaluated: 2025-06-13. Review status: criteria provided, single submitter. Criteria: ACMG Guidelines, 2015. Collection method: clinical testing. Allele origin: germline. Observed: 1 variant allele.
Comment: BP4, BP7, PM2_supporting